The following is an entry in ClinVar:

NM_017617.5(NOTCH1):c.3088T>C (p.Cys1030Arg)

Gene: NOTCH1 (notch receptor 1; minus strand). Cytogenetic location: 9q34.3.
Variant type: single nucleotide variant.
Coding change: c.3088T>C on transcript NM_017617.5 (MANE Select); coding-DNA position 3088, T replaced by C.
Protein change: p.Cys1030Arg; replaces cysteine 1030 with arginine.
Molecular consequence: missense variant.
Genome position (GRCh38, 1-based): chr9:136,508,953, A>G on the plus strand (T>C on the coding strand, the complement: NOTCH1 is on the minus strand). VCF-style: chr9-136508953-A-G. GRCh37 (hg19) VCF-style: chr9-139403405-A-G.
Other names: short protein forms C1030R.
Identifiers: ClinVar variation 3300475 (VCV003300475.1).

ClinVar aggregate classification (germline): Uncertain significance (1 of 4 stars; one submission).

Conditions:
Familial thoracic aortic aneurysm and aortic dissection (TAAD). Also called: Thoracic aortic aneurysms and dissections. Identifiers: Orphanet 91387, MedGen C4707243, MONDO:0019625.

Submission:

Ambry Genetics
Classification: Uncertain significance for Familial thoracic aortic aneurysm and aortic dissection. Last evaluated: 2024-06-09. Review status: criteria provided, single submitter. Criteria: Ambry Variant Classification Scheme 2023. Collection method: clinical testing. Allele origin: germline.
Comment: The p.C1030R variant (also known as c.3088T>C), located in coding exon 19 of the NOTCH1 gene, results from a T to C substitution at nucleotide position 3088. The cysteine at codon 1030 is replaced by arginine, an amino acid with highly dissimilar properties. This amino acid position is conserved. In addition, this alteration is predicted to be deleterious by in silico analysis. Based on the available evidence, the clinical significance of this variant remains unclear.